The following is an entry in ClinVar:

NM_000059.4(BRCA2):c.2059_2063del (p.Leu686_Asp687insTer)

Gene: BRCA2 (BRCA2 DNA repair associated; plus strand). Cytogenetic location: 13q13.1.
Variant type: Deletion.
Coding change: c.2059_2063del on transcript NM_000059.4 (MANE Select); coding-DNA positions 2059 to 2063, 5 bases deleted (GATTA; older notation c.2059_2063delGATTA).
Protein change: p.Leu686_Asp687insTer.
Molecular consequence: nonsense.
Genome position (GRCh38, 1-based): chr13:32,336,414-32,336,418, GATTA deleted. VCF-style (leftmost placement, unchanged base first): chr13-32336413-TGATTA-T. GRCh37 (hg19) VCF-style: chr13-32910550-TGATTA-T.
Other names: c.2059_2063delGATTA (NM_000059.3).
Identifiers: ClinVar variation 142868 (VCV000142868.24), dbSNP rs587782780, ClinGen allele CA014250.

ClinVar aggregate classification (germline): Pathogenic. Review status: reviewed by expert panel (3 of 4 stars). 11 submissions from 11 submitters: Pathogenic (1). 10 of the submissions do not count toward it. Last evaluated 2016-09-08.

Conditions:
Familial cancer of breast. Also called: BREAST CANCER, FAMILIAL; hereditary breast carcinoma; Hereditary breast cancer. Identifiers: Orphanet 227535, MedGen C0346153, MONDO:0016419, OMIM 114480. Disease mechanism: loss of function.
Fanconi anemia complementation group D1. Also called: BRCA2-Related Fanconi Anemia. Identifiers: Orphanet 319462, MedGen C1838457, MONDO:0011584, OMIM 605724.
Medulloblastoma (MDB). Also called: Medulloblastoma, somatic; MEDULLOBLASTOMA PREDISPOSITION SYNDROME. Identifiers: Orphanet 616, MedGen C0025149, MeSH D008527, MONDO:0007959, OMIM 155255, HP:0002885.
Breast-ovarian cancer, familial, susceptibility to, 2 (BROVCA2). Also called: BRCA2 Hereditary Breast and Ovarian Cancer. Identifiers: Orphanet 145, MedGen C2675520, MONDO:0012933, OMIM 612555. Disease mechanism: loss of function.
Wilms tumor 1 (WT1). Also called: Wilms tumor, somatic. Identifiers: Orphanet 654, MedGen CN033288, MONDO:0008679, OMIM 194070.
Glioma susceptibility 3 (GLM3). Also called: Glioblastoma 3. Identifiers: Orphanet 182067, Orphanet 360, MedGen C2751641, MONDO:0013093, OMIM 613029.
Pancreatic cancer, susceptibility to, 2. Identifiers: Orphanet 1333, MedGen C3150546, MONDO:0013235, OMIM 613347.
Familial prostate cancer. Also called: Hereditary Prostate Cancer. Identifiers: MedGen C2931456, MONDO:0700275, OMIM 176807.
BRCA2-related cancer predisposition. Identifiers: MedGen CN377758, MONDO:0700269.
BRCA2-related disorder. Also called: BRCA2-related condition; BRCA2-related disorders. Identifiers: MedGen CN239275.
Hereditary cancer-predisposing syndrome. Also called: Neoplastic Syndromes, Hereditary; Hereditary neoplastic syndrome; Hereditary Cancer Syndrome; Tumor predisposition. Identifiers: Orphanet 140162, MedGen C0027672, MeSH D009386, MONDO:0015356.
Breast neoplasm. Also called: Neoplasm of breast; Breast tumor; Neoplasm of the breast; Breast Neoplasms. Identifiers: MedGen C1458155, MeSH D001943, MONDO:0021100, HP:0100013. Disease mechanism: gain of function.
Hereditary breast ovarian cancer syndrome. Also called: Breast and ovarian cancer; Hereditary breast and/or ovarian cancer syndrome; Hereditary breast and ovarian cancer syndrome; Hereditary breast and ovarian cancer syndrome (HBOC); Hereditary breast and ovarian cancer; BRCA1- and BRCA2-Associated Hereditary Breast and Ovarian Cancer. Identifiers: Orphanet 145, MedGen C0677776, MeSH D061325, MONDO:0003582. Disease mechanism: loss of function.

Allele frequency attached by ClinVar (database versions not stated): gnomAD exomes below 0.00001; TOPMed 0.00002.

Submissions (11):

Evidence-based Network for the Interpretation of Germline Mutant Alleles (ENIGMA)
Classification: Pathogenic for Breast-ovarian cancer, familial, susceptibility to, 2. Last evaluated: 2016-09-08. Review status: reviewed by expert panel. Criteria: ENIGMA BRCA1/2 Classification Criteria (2015). Collection method: curation. Allele origin: germline.
Comment: Variant allele predicted to encode a truncated non-functional protein.

Labcorp Genetics (formerly Invitae), Labcorp
Classification: Pathogenic for Hereditary breast ovarian cancer syndrome. Last evaluated: 2025-10-03. Review status: criteria provided, single submitter. Criteria: Invitae Variant Classification Sherloc (09022015). Collection method: clinical testing. Allele origin: germline. Not counted in ClinVar's aggregate classification.
Comment: This sequence change creates a premature translational stop signal (p.Asp687*) in the BRCA2 gene. It is expected to result in an absent or disrupted protein product. Loss-of-function variants in BRCA2 are known to be pathogenic (PMID: 20104584). This variant is present in population databases (rs587782780, gnomAD 0.003%). This premature translational stop signal has been observed in individual(s) with breast and ovarian cancer (PMID: 24961674, 27257965). ClinVar contains an entry for this variant (Variation ID: 142868). For these reasons, this variant has been classified as Pathogenic.

Blueprint Genetics
Classification: Pathogenic for BRCA2-related disorders. Last evaluated: 2024-10-07. Review status: criteria provided, single submitter. Criteria: ACMG Guidelines, 2015. Collection method: clinical testing. Allele origin: germline. Affected: yes. Observed: 1 variant allele. Not counted in ClinVar's aggregate classification.

Molecular Pathology, Peter Maccallum Cancer Centre
Classification: Pathogenic for Breast-ovarian cancer, familial, susceptibility to, 2. Last evaluated: 2024-02-05. Review status: criteria provided, single submitter. Criteria: ACMG Guidelines, 2015. Collection method: clinical testing. Allele origin: germline. Inheritance: Autosomal dominant inheritance. Not counted in ClinVar's aggregate classification.

Ambry Genetics
Classification: Pathogenic for Hereditary cancer-predisposing syndrome. Last evaluated: 2023-07-26. Review status: criteria provided, single submitter. Criteria: Ambry Variant Classification Scheme 2023. Collection method: clinical testing. Allele origin: germline. Not counted in ClinVar's aggregate classification.
Comment: The c.2059_2063delGATTA pathogenic mutation, located in coding exon 10 of the BRCA2 gene, results from a deletion of 5 nucleotides at nucleotide positions 2059 to 2063, causing a translational frameshift with a predicted alternate stop codon (p.D687*). This variant was detected 11 times in a meta-analysis of breast and ovarian cancer cohorts in the Chinese population across several publications (Gao X et al. Hum. Mutat 2019 Dec). In addition to the clinical data presented in the literature, this alteration is expected to result in loss of function by premature protein truncation or nonsense-mediated mRNA decay. As such, this alteration is interpreted as a disease-causing mutation.

GeneDx
Classification: Pathogenic. Last evaluated: 2023-03-17. Review status: criteria provided, single submitter. Criteria: GeneDx Variant Classification Process June 2021. Collection method: clinical testing. Allele origin: germline. Affected: yes. Not counted in ClinVar's aggregate classification.
Comment: Nonsense variant predicted to result in protein truncation or nonsense mediated decay in a gene for which loss of function is a known mechanism of disease; Not observed at significant frequency in large population cohorts (gnomAD); Truncating variants in this gene are considered pathogenic by a well-established clinical consortium and/or database; Also known as 2287_2291del; Observed in individuals with personal and/or family history of breast and/or ovarian cancer (Kim et al., 2016; Gao et al., 2020); This variant is associated with the following publications: (PMID: 26848529, 28135048, 28724667, 28541631, 30078507, 32521533, 30787465, 29752822, 28294317, 32410793, 24961674, 31825140, 20104584, 30702160, 30720243, 29446198, 35273153, 27257965)

Department of Pathology and Laboratory Medicine, Sinai Health System
Classification: Pathogenic for BRCA2-related cancer predisposition. Last evaluated: 2022-03-04. Review status: criteria provided, single submitter. Criteria: ACMG Guidelines, 2015. Collection method: clinical testing. Allele origin: germline. Affected: no. Not counted in ClinVar's aggregate classification.

Women's Health and Genetics/Laboratory Corporation of America, LabCorp
Classification: Pathogenic for Hereditary breast ovarian cancer syndrome. Last evaluated: 2022-01-02. Review status: criteria provided, single submitter. Criteria: LabCorp Variant Classification Summary - May 2015. Collection method: clinical testing. Allele origin: germline. Not counted in ClinVar's aggregate classification.
Comment: Variant summary: BRCA2 c.2059_2063delGATTA (p.Asp687X) results in a premature termination codon, predicted to cause a truncation of the encoded protein or absence of the protein due to nonsense mediated decay, which are commonly known mechanisms for disease. Truncations downstream of this position have been classified as pathogenic by our laboratory. The variant allele was found at a frequency of 4e-06 in 250412 control chromosomes. c.2059_2063delGATTA has been reported in the literature in individuals affected with hereditary breast and/or ovarian cancer (example, Zhong_2016, Li_2018). To our knowledge, no experimental evidence demonstrating an impact on protein function has been reported. Multiple clinical diagnostic laboratories and an expert panel (ENIGMA) have submitted clinical-significance assessments for this variant to ClinVar after 2014 without evidence for independent evaluation. All submitters classified the variant as pathogenic. Based on the evidence outlined above, the variant was classified as pathogenic.

Sema4
Classification: Pathogenic for Hereditary cancer-predisposing syndrome. Last evaluated: 2021-06-08. Review status: criteria provided, single submitter. Criteria: Sema4 Curation Guidelines. Collection method: curation. Allele origin: germline. Not counted in ClinVar's aggregate classification.
Comment: The BRCA2 c.2059_2063delGATTA (p.D687X) variant has been reported in heterozygosity in at least 16 individuals with breast and/or ovarian cancer (PMID: 27257965, 28724667, 30078507, 31825140, 24961674, among others). This 5 nucleotides deleetion creates a premature stop codon at residue 687 of the BRCA2 protein. At this location, nonsense-mediated decay is predicted to occur, leading to an absent protein (loss of function). Loss of function variants in BRCA1 or BRCA2 are known to be pathogenic (PMID: 29446198). This variant was observed in 1/30562 chromosomes in the South Asian population according to the Genome Aggregation Database (PMID: 32461654) and has been reported in ClinVar (Variation ID: 142868). Based on the current evidence available, this variant is interpreted as pathogenic.

Laboratory of Molecular Diagnosis of Cancer, West China Hospital, Sichuan University
Classification: Pathogenic for Breast neoplasm. Last evaluated: 2015-11-01. Review status: criteria provided, single submitter. Criteria: ACMG Guidelines, 2015. Collection method: research. Allele origin: germline. Affected: yes. Observed: 1 variant allele. Not counted in ClinVar's aggregate classification.

Juno Genomics, Hangzhou Juno Genomics, Inc
Classification: Pathogenic for Familial cancer of breast; Breast-ovarian cancer, familial, susceptibility to, 2; Glioma susceptibility 3; Medulloblastoma; Pancreatic cancer, susceptibility to, 2; Familial prostate cancer; Fanconi anemia complementation group D1; Wilms tumor 1. Review status: criteria provided, single submitter. Criteria: ACMG Guidelines, 2015. Collection method: clinical testing. Allele origin: germline. Not counted in ClinVar's aggregate classification.
Comment: Absent from controls (or at extremely low frequency if recessive) in Genome Aggregation Database.;Null variant in a gene where loss of function (LOF) is a known mechanism of disease.;The prevalence of the variant in affected individuals is significantly increased compared to the prevalence in controls.

Literature cited by the submitters: PubMed 20104584 (cited by Labcorp Genetics (formerly Invitae), Labcorp); PubMed 24961674 (cited by 3 submitters); PubMed 27257965 (cited by 5 submitters); PubMed 31825140 (cited by Ambry Genetics and Sema4); PubMed 29752822 (cited by Department of Pathology and Laboratory Medicine, Sinai Health System and Women's Health and Genetics/Laboratory Corporation of America, LabCorp); PubMed 28724667 (cited by Sema4); PubMed 30078507 (cited by Sema4); PubMed 29446198 (cited by Sema4).